The following is an entry in ClinVar:

NM_032638.5(GATA2):c.85C>G (p.Leu29Val)

Gene: GATA2 (GATA binding protein 2; minus strand). Cytogenetic location: 3q21.3.
Variant type: single nucleotide variant.
Coding change: c.85C>G on transcript NM_032638.5 (MANE Select); coding-DNA position 85, C replaced by G.
Protein change: p.Leu29Val; replaces leucine 29 with valine.
Molecular consequence: missense variant.
Genome position (GRCh38, 1-based): chr3:128,486,947, G>C on the plus strand (C>G on the coding strand, the complement: GATA2 is on the minus strand). VCF-style: chr3-128486947-G-C. GRCh37 (hg19) VCF-style: chr3-128205790-G-C.
Other names: c.85C>G, p.Leu29Val (NM_001145661.2, NM_001145662.1); short protein forms L29V.
Identifiers: ClinVar variation 1959282 (VCV001959282.6), dbSNP rs2068709828, ClinGen allele CA354408972.

ClinVar aggregate classification (germline): Uncertain significance. Review status: criteria provided, multiple submitters, no conflicts (2 of 4 stars). 2 submissions from 2 submitters: Uncertain significance (2). Last evaluated 2023-07-06.

Conditions:
Acute myeloid leukemia (AML). Also called: Acute myeloid leukemia, adult; AML adult; Acute non-lymphocytic leukemia; Acute granulocytic leukemia; Leukemia, acute myeloid, somatic; Leukemia, acute myelogenous, somatic. Identifiers: Orphanet 519, MedGen C0023467, MeSH D015470, MONDO:0018874, OMIM 601626, HP:0004808. Disease mechanism: Constitutively activated FLT3.
Deafness-lymphedema-leukemia syndrome. Also called: Lymphedema, primary, with myelodysplasia; Emberger syndrome. Identifiers: Orphanet 3226, MedGen C3279664, MONDO:0013540, OMIM 614038.
Monocytopenia with susceptibility to infections. Also called: MONOCYTOPENIA AND MYCOBACTERIAL INFECTION SYNDROME; MONOCYTOPENIA WITH SUSCEPTIBILITY TO MYCOBACTERIAL, FUNGAL, AND PAPILLOMAVIRUS INFECTIONS AND MYELODYSPLASIA; COMBINED IMMUNODEFICIENCY WITH SUSCEPTIBILITY TO MYCOBACTERIAL, VIRAL, AND FUNGAL INFECTIONS; Dendritic cell, monocyte, B lymphocyte, and natural killer lymphocyte deficiency; IMMUNODEFICIENCY 21; GATA2 DEFICIENCY. Identifiers: Orphanet 228423, MedGen C3280030, MONDO:0013607, OMIM 614172.

Submissions (2):

Baylor Genetics
Classification: Uncertain significance for Acute myeloid leukemia. Last evaluated: 2023-07-06. Review status: criteria provided, single submitter. Criteria: ACMG Guidelines, 2015. Collection method: clinical testing. Allele origin: unknown.

Labcorp Genetics (formerly Invitae), Labcorp
Classification: Uncertain significance for Monocytopenia with susceptibility to infections; Deafness-lymphedema-leukemia syndrome. Last evaluated: 2022-05-27. Review status: criteria provided, single submitter. Criteria: Invitae Variant Classification Sherloc (09022015). Collection method: clinical testing. Allele origin: germline.
Comment: In summary, the available evidence is currently insufficient to determine the role of this variant in disease. Therefore, it has been classified as a Variant of Uncertain Significance. Advanced modeling of protein sequence and biophysical properties (such as structural, functional, and spatial information, amino acid conservation, physicochemical variation, residue mobility, and thermodynamic stability) performed at Invitae indicates that this missense variant is not expected to disrupt GATA2 protein function. This variant has not been reported in the literature in individuals affected with GATA2-related conditions. This variant is not present in population databases (gnomAD no frequency). This sequence change replaces leucine, which is neutral and non-polar, with valine, which is neutral and non-polar, at codon 29 of the GATA2 protein (p.Leu29Val).